The following is an entry in ClinVar:

ClinVar aggregate classification (germline): Uncertain significance (1 of 4 stars; one submission).

Allele frequency attached by ClinVar (database versions not stated): gnomAD exomes below 0.00001.

Submission:

Labcorp Genetics (formerly Invitae), Labcorp
Classification: Uncertain significance. Last evaluated: 2022-08-09. Review status: criteria provided, single submitter. Criteria: Invitae Variant Classification Sherloc (09022015). Collection method: clinical testing. Allele origin: germline.
Comment: This variant is not present in population databases (gnomAD no frequency). This sequence change replaces methionine, which is neutral and non-polar, with valine, which is neutral and non-polar, at codon 524 of the RBP3 protein (p.Met524Val). This variant has not been reported in the literature in individuals affected with RBP3-related conditions. ClinVar contains an entry for this variant (Variation ID: 1518376). In summary, the available evidence is currently insufficient to determine the role of this variant in disease. Therefore, it has been classified as a Variant of Uncertain Significance. Algorithms developed to predict the effect of missense changes on protein structure and function output the following: SIFT: "Tolerated"; PolyPhen-2: "Benign"; Align-GVGD: "Class C0". The valine amino acid residue is found in multiple mammalian species, which suggests that this missense change does not adversely affect protein function.

NM_002900.3(RBP3):c.1570A>G (p.Met524Val)

Gene: RBP3 (retinol binding protein 3; plus strand). Cytogenetic location: 10q11.22.
Variant type: single nucleotide variant.
Coding change: c.1570A>G on transcript NM_002900.3 (MANE Select); coding-DNA position 1570, A replaced by G.
Protein change: p.Met524Val; replaces methionine 524 with valine.
Molecular consequence: missense variant.
Genome position (GRCh38, 1-based): chr10:47,350,054, A>G. VCF-style: chr10-47350054-A-G. GRCh37 (hg19) VCF-style: chr10-48389308-T-C.
Other names: short protein forms M524V.
Identifiers: ClinVar variation 1518376 (VCV001518376.6), dbSNP rs2132253945, ClinGen allele CA376670872.